The following is an entry in ClinVar:

ClinVar aggregate classification (germline): Conflicting classifications of pathogenicity. Review status: criteria provided, conflicting classifications (1 of 4 stars). 10 submissions from 10 submitters: Uncertain significance (4); Likely benign (6). Last evaluated 2026-03-18.

Conditions:
TTN-related disorder. Also called: TTN-related disorders; TTN-related condition; TTN-related disease.
Cardiovascular phenotype. Identifiers: MedGen CN230736.
Dilated cardiomyopathy 1G (CMD1G). Identifiers: Orphanet 154, MedGen C1858763, MONDO:0011400, OMIM 604145.
Autosomal recessive limb-girdle muscular dystrophy type 2J (LGMDR10). Also called: Limb-girdle muscular dystrophy, type 2J; MUSCULAR DYSTROPHY, LIMB-GIRDLE, AUTOSOMAL RECESSIVE 10. Identifiers: Orphanet 140922, MedGen C1837342, MONDO:0012127, OMIM 608807.

Allele frequency attached by ClinVar (database versions not stated): gnomAD 0.00011 and 0.00012; TOPMed 0.00014; gnomAD exomes 0.00019 and 0.00024; ExAC 0.00028; ESP Exome Variant Server 0.00033.
gnomAD v4.1: 291 of 1,612,094 alleles (0.018%); highest among the groups gnomAD compares: East Asian, 0.076%; no homozygotes.

Submissions (10):

Women's Health and Genetics/Laboratory Corporation of America, LabCorp
Classification: Likely benign. Last evaluated: 2026-03-18. Review status: criteria provided, single submitter. Criteria: LabCorp Variant Classification Summary - May 2015. Collection method: clinical testing. Allele origin: germline.
Comment: Variant summary: TTN c.44183G>A (p.Arg14728His) results in a non-conservative amino acid change in the encoded protein sequence. Algorithms developed to predict the effect of missense changes on protein structure and function are either unavailable or do not agree on the potential impact of this missense change. The variant allele was found at a frequency of 0.00024 in 247804 control chromosomes, predominantly at a frequency of 0.00079 within the Latino subpopulation in the gnomAD database. The observed variant frequency within Latino control individuals in the gnomAD database exceeds the estimated maximal expected allele frequency for disease-causing variants in TTN. To our knowledge, no occurrence of c.44183G>A in individuals affected with TTN-related conditions and no experimental evidence demonstrating its impact on protein function have been reported. ClinVar contains an entry for this variant (Variation ID: 212470). Based on the evidence outlined above, the variant was classified as likely benign.

Labcorp Genetics (formerly Invitae), Labcorp
Classification: Likely benign for Dilated cardiomyopathy 1G; Autosomal recessive limb-girdle muscular dystrophy type 2J. Last evaluated: 2026-02-03. Review status: criteria provided, single submitter. Criteria: Invitae Variant Classification Sherloc (09022015). Collection method: clinical testing. Allele origin: germline.

PreventionGenetics, part of Exact Sciences
Classification: Uncertain significance for TTN-related condition. Last evaluated: 2025-08-28. Review status: criteria provided, single submitter. Criteria: ACMG Guidelines, 2015. Collection method: clinical testing. Allele origin: germline.
Comment: The TTN c.51887G>A variant is predicted to result in the amino acid substitution p.Arg17296His. To our knowledge, this variant has not been reported in the literature. This variant is reported in 0.077% of alleles in individuals of Latino descent in gnomAD. Although we suspect that this variant may be benign, at this time, the clinical significance of this variant is uncertain due to the absence of conclusive functional and genetic evidence.

Molecular Diagnostic Laboratory for Inherited Cardiovascular Disease, Montreal Heart Institute
Classification: Likely benign. Last evaluated: 2025-04-09. Review status: criteria provided, single submitter. Criteria: ACMG Guidelines, 2015. Collection method: clinical testing. Allele origin: germline. Affected: no.

Blueprint Genetics
Classification: Likely benign. Last evaluated: 2024-10-14. Review status: criteria provided, single submitter. Criteria: ACMG Guidelines, 2015. Collection method: clinical testing. Allele origin: germline.

Mayo Clinic Laboratories, Mayo Clinic
Classification: Uncertain significance. Last evaluated: 2024-03-13. Review status: criteria provided, single submitter. Criteria: ACMG Guidelines, 2015. Collection method: clinical testing. Allele origin: germline. Observed: 1 variant allele.

Revvity Omics, Revvity
Classification: Uncertain significance. Last evaluated: 2023-10-25. Review status: criteria provided, single submitter. Criteria: ACMG Guidelines, 2015. Collection method: clinical testing. Allele origin: germline.

Ambry Genetics
Classification: Likely benign for Cardiovascular phenotype. Last evaluated: 2019-09-10. Review status: criteria provided, single submitter. Criteria: Ambry Variant Classification Scheme 2023. Collection method: clinical testing. Allele origin: germline.

GeneDx
Classification: Likely benign. Last evaluated: 2017-12-26. Review status: criteria provided, single submitter. Criteria: GeneDx Variant Classification (06012015). Collection method: clinical testing. Allele origin: germline. Affected: yes.
Comment: This variant is considered likely benign or benign based on one or more of the following criteria: it is a conservative change, it occurs at a poorly conserved position in the protein, it is predicted to be benign by multiple in silico algorithms, and/or has population frequency not consistent with disease.

Genetic Services Laboratory, University of Chicago
Classification: Uncertain significance. Last evaluated: 2014-04-10. Review status: criteria provided, single submitter. Criteria: ACMG Guidelines, 2007. Collection method: clinical testing. Allele origin: germline.

Literature cited by the submitters: PubMed 28771489 (cited by Ambry Genetics).

NM_001267550.2(TTN):c.51887G>A (p.Arg17296His)

Genes: TTN (titin; minus strand), TTN-AS1 (TTN antisense RNA 1; plus strand). Cytogenetic location: 2q31.2.
Variant type: single nucleotide variant.
Coding change: c.51887G>A on transcript NM_001267550.2 (MANE Select); coding-DNA position 51887, G replaced by A.
Protein change: p.Arg17296His; replaces arginine 17296 with histidine.
Molecular consequence: missense variant.
Genome position (GRCh38, 1-based): chr2:178,609,423, C>T on the plus strand (G>A on the coding strand, the complement: TTN is on the minus strand). VCF-style: chr2-178609423-C-T. GRCh37 (hg19) VCF-style: chr2-179474150-C-T.
Other names: p.Arg14728His; c.46964G>A, p.Arg15655His (NM_001256850.1); c.24692G>A, p.Arg8231His (NM_003319.4); c.44183G>A, p.Arg14728His (NM_133378.4); c.25067G>A, p.Arg8356His (NM_133432.3); c.25268G>A, p.Arg8423His (NM_133437.4); short protein forms R14728H, R17296H, R15655H, R8231H, R8356H, R8423H.
Identifiers: ClinVar variation 212470 (VCV000212470.28), dbSNP rs200456782, ClinGen allele CA209392.